The following is an entry in ClinVar:

NM_004415.4(DSP):c.8529_8540del (p.2827_2830SGSR[4])

Gene: DSP (desmoplakin; plus strand). Cytogenetic location: 6p24.3.
Variant type: Deletion.
Coding change: c.8529_8540del on transcript NM_004415.4 (MANE Select); coding-DNA positions 8529 to 8540, 12 bases deleted (TGGGTCCCGGAG).
Protein change: p.2827_2830SGSR[4].
Molecular consequence: inframe deletion.
Genome position (GRCh38, 1-based): chr6:7,585,791-7,585,802, TGGGTCCCGGAG deleted; deleting any 12 consecutive bases within chr6:7,585,789-7,585,802 gives the same sequence; the c. name uses the placement nearest the transcript's 3' end. VCF-style (leftmost placement, unchanged base first): chr6-7585788-CAGTGGGTCCCGG-C. GRCh37 (hg19) VCF-style: chr6-7586021-CAGTGGGTCCCGG-C.
Other names: p.Ser2843_Arg2846del; c.8529_8540del12 (NM_004415.4, NM_004415.3); c.6732_6743del, p.2228_2231SGSR[4] (NM_001008844.3); c.7200_7211del, p.2384_2387SGSR[4] (NM_001319034.2); c.8529_8540del (LRG_423t1).
Identifiers: ClinVar variation 199930 (VCV000199930.22), dbSNP rs794728151, ClinGen allele CA007705.

ClinVar aggregate classification (germline): Conflicting classifications of pathogenicity. Review status: criteria provided, conflicting classifications (1 of 4 stars). 8 submissions from 8 submitters: Uncertain significance (1); Likely benign (7). Last evaluated 2026-02-16.

Conditions:
DSP-related disorder. Also called: DSP-related disorders; DSP-related condition.
Cardiovascular phenotype. Identifiers: MedGen CN230736.
Cardiomyopathy (CMYO). Also called: Cardiomyopathies. Identifiers: Orphanet 167848, MedGen C0878544, MONDO:0004994, HP:0001638. Inheritance: Various modes of inheritance.
Arrhythmogenic right ventricular dysplasia 8 (ARVD8). Also called: Arrhythmogenic Right Ventricular Dysplasia/Cardiomyopathy 8; ARRHYTHMOGENIC RIGHT VENTRICULAR DYSPLASIA, FAMILIAL, 8; ARRHYTHMOGENIC RIGHT VENTRICULAR CARDIOMYOPATHY 8. Identifiers: MedGen C1843896, MONDO:0011831, OMIM 607450.
Arrhythmogenic cardiomyopathy with wooly hair and keratoderma. Also called: Dilated cardiomyopathy with woolly hair and keratoderma; Arrhythmogenic cardiomyopathy with woolly hair and keratoderma; Carvajal syndrome; PALMOPLANTAR KERATODERMA WITH LEFT VENTRICULAR CARDIOMYOPATHY AND WOOLLY HAIR. Identifiers: Orphanet 65282, MedGen C1854063, MONDO:0011581, OMIM 605676.

Submissions (8):

Women's Health and Genetics/Laboratory Corporation of America, LabCorp
Classification: Likely benign. Last evaluated: 2026-02-16. Review status: criteria provided, single submitter. Criteria: LabCorp Variant Classification Summary - May 2015. Collection method: clinical testing. Allele origin: germline.

Labcorp Genetics (formerly Invitae), Labcorp
Classification: Likely benign for Arrhythmogenic cardiomyopathy with wooly hair and keratoderma; Arrhythmogenic right ventricular dysplasia 8. Last evaluated: 2026-01-21. Review status: criteria provided, single submitter. Criteria: Invitae Variant Classification Sherloc (09022015). Collection method: clinical testing. Allele origin: germline.

PreventionGenetics, part of Exact Sciences
Classification: Likely benign for DSP-related condition. Last evaluated: 2025-08-31. Review status: criteria provided, single submitter. Criteria: ACMG Guidelines, 2015. Collection method: clinical testing. Allele origin: germline.
Comment: This variant is classified as likely benign based on ACMG/AMP sequence variant interpretation guidelines (Richards et al. 2015 PMID: 25741868, with internal and published modifications).

Mayo Clinic Laboratories, Mayo Clinic
Classification: Likely benign. Last evaluated: 2025-04-16. Review status: criteria provided, single submitter. Criteria: ACMG Guidelines, 2015. Collection method: clinical testing. Allele origin: germline. Observed: 2 variant alleles.
Comment: BS1, BP5

Ambry Genetics
Classification: Likely benign for Cardiovascular phenotype. Last evaluated: 2021-02-24. Review status: criteria provided, single submitter. Criteria: Ambry Variant Classification Scheme 2023. Collection method: clinical testing. Allele origin: germline.

GeneDx
Classification: Likely benign. Last evaluated: 2020-02-26. Review status: criteria provided, single submitter. Criteria: GeneDx Variant Classification Process June 2021. Collection method: clinical testing. Allele origin: germline. Affected: yes.
Comment: This variant is associated with the following publications: (PMID: 21636032, 27532257, 24503780)

Color Diagnostics, LLC DBA Color Health
Classification: Likely benign for Cardiomyopathy. Last evaluated: 2018-10-29. Review status: criteria provided, single submitter. Criteria: ACMG Guidelines, 2015. Collection method: clinical testing. Allele origin: germline.

Stanford Center for Inherited Cardiovascular Disease, Stanford University
Classification: Uncertain significance. Last evaluated: 2014-03-27. Review status: criteria provided, single submitter. Criteria: ACMG Guidelines, 2015. Collection method: provider interpretation. Allele origin: germline.

Literature cited by the submitters: PubMed 31402444 (cited by Mayo Clinic Laboratories, Mayo Clinic); PubMed 21636032 (cited by Ambry Genetics); PubMed 24503780 (cited by Ambry Genetics); PubMed 27532257 (cited by Ambry Genetics).